The following is an entry in ClinVar:

ClinVar aggregate classification (germline): Pathogenic. Review status: reviewed by expert panel (3 of 4 stars). 7 submissions from 7 submitters: Pathogenic (1). 6 of the submissions do not count toward it. Last evaluated 2017-03-17.

Conditions:
CFTR-related disorder (CFTR-RD). Also called: CFTR-related disorders; CFTR-related condition. Identifiers: MedGen C5924204, MONDO:7770004.
Cystic fibrosis (CF). Also called: MUCOVISCIDOSIS. Identifiers: Orphanet 586, MedGen C0010674, MONDO:0009061, OMIM 219700. Disease mechanism: loss of function.

Allele frequency attached by ClinVar (database versions not stated): TOPMed 0.00001; gnomAD exomes below 0.00001.
gnomAD v4.1: 3 of 1,614,006 alleles (0.00019%); highest among the groups gnomAD compares: Non-Finnish European, 0.00025%; no homozygotes.

Submissions (7):

CFTR2
Classification: Pathogenic for Cystic fibrosis. Last evaluated: 2017-03-17. Review status: reviewed by expert panel. Criteria: Sosnay PR et al. (Nat Genet 2013). Collection method: research. Allele origin: germline. Affected: yes. Study: CFTR2.

Natera, Inc.
Classification: Pathogenic for CFTR-related disorders. Last evaluated: 2025-11-26. Review status: criteria provided, single submitter. Criteria: Natera Variant Classification Schema (03/2026). Collection method: clinical testing. Allele origin: germline. Not counted in ClinVar's aggregate classification.
Comment: The c.4111G>T variant in CFTR is a nonsense variant predicted to introduce a stop codon at amino acid 1371. This variant is expected to result in nonsense mediated decay, truncation, or a dysfunctional protein product. This variant is rare in the general population with a frequency below the threshold expected for the associated phenotype(s). This variant has been observed in one or more individuals affected with the associated recessive disease, as either homozygous or compound heterozygous with a second variant (PMID: 1376017, 29997283). Given the available evidence, this variant is classified as Pathogenic.

Labcorp Genetics (formerly Invitae), Labcorp
Classification: Pathogenic for Cystic fibrosis. Last evaluated: 2025-10-13. Review status: criteria provided, single submitter. Criteria: Invitae Variant Classification Sherloc (09022015). Collection method: clinical testing. Allele origin: germline. Not counted in ClinVar's aggregate classification.
Comment: This sequence change creates a premature translational stop signal (p.Glu1371*) in the CFTR gene. It is expected to result in an absent or disrupted protein product. Loss-of-function variants in CFTR are known to be pathogenic (PMID: 1695717, 7691345, 9725922). This variant is present in population databases (rs397508675, gnomAD 0.0009%). This premature translational stop signal has been observed in individual(s) with cystic fibrosis (PMID: 1376017). In at least one individual the data is consistent with being in trans (on the opposite chromosome) from a pathogenic variant. ClinVar contains an entry for this variant (Variation ID: 53891). Algorithms developed to predict the effect of sequence changes on RNA splicing suggest that this variant may disrupt the consensus splice site. For these reasons, this variant has been classified as Pathogenic.

Ambry Genetics
Classification: Pathogenic for Cystic fibrosis. Last evaluated: 2021-09-21. Review status: criteria provided, single submitter. Criteria: Ambry Variant Classification Scheme 2023. Collection method: clinical testing. Allele origin: germline. Not counted in ClinVar's aggregate classification.
Comment: The p.E1371* pathogenic mutation (also known as c.4111G>T), located in coding exon 25 of the CFTR gene, results from a G to T substitution at nucleotide position 4111. This changes the amino acid from a glutamic acid to a stop codon within coding exon 25. It was later reportedly identified on one cystic fibrosis (CF) chromosome in a study of Northern Irish CF families (Hughes DJ, Hum. Mutat. 1996 ; 8(4):340-7). In addition, it was detected as compound heterozygous with another disease-causing mutation in an individual with pancreatic-sufficient cystic fibrosis and acute recurrent pancreatitis (St Onge I et al. J Cyst Fibros, 2019 09;18:e53-e55). This variant has been reported in multiple individuals with an elevated sweat chloride level in The Clinical and Functional TRanslation of CFTR (CFTR2) database (available at CFTR2. Accessed 09/21/2021). In addition to the clinical data presented in the literature, this alteration is expected to result in loss of function by premature protein truncation or nonsense-mediated mRNA decay. As such, this alteration is interpreted as a disease-causing mutation.

Quest Diagnostics Nichols Institute San Juan Capistrano
Classification: Pathogenic. Last evaluated: 2021-06-28. Review status: criteria provided, single submitter. Criteria: Quest Diagnostics criteria. Collection method: clinical testing. Allele origin: unknown. Not counted in ClinVar's aggregate classification.
Comment: This nonsense variant causes the premature termination of CFTR protein synthesis. It has been reported in individuals affected with Cystic Fibrosis in the published literature (PMID: 8956039 (1996), 31036917 (2019), 1376017 (1992)). In addition, this variant has been reported to have a damaging effect on CFTR protein function (PMID: 30444886 (2018)). Based on the available information, this variant is classified as pathogenic.

Women's Health and Genetics/Laboratory Corporation of America, LabCorp
Classification: Pathogenic. Last evaluated: 2018-04-06. Review status: criteria provided, single submitter. Criteria: LabCorp Variant Classification Summary - May 2015. Collection method: clinical testing. Allele origin: germline. Not counted in ClinVar's aggregate classification.
Comment: Variant summary: CFTR c.4111G>T (p.Glu1371X) results in a premature termination codon, predicted to cause a truncation of the encoded protein or absence of the protein due to nonsense mediated decay, which are commonly known mechanisms for disease. Truncations downstream of this position have been classified as pathogenic by our laboratory (eg.c.4144C>T/p.Gln1382X). The variant allele was found at a frequency of 4.1e-06 in 246000 control chromosomes. c.4111G>T has been reported in the literature in individuals affected with Cystic Fibrosis. These data indicate that the variant may be associated with disease. To our knowledge, no experimental evidence demonstrating an impact on protein function has been reported. One clinical diagnostic laboratory has submitted clinical-significance assessments for this variant to ClinVar and classified the variant as likely pathogenic. CFTR2 database lists variant as a CF-causing variant with 19 patients with this variant in the database. Based on the evidence outlined above, the variant was classified as pathogenic.

Counsyl
Classification: Likely pathogenic for Cystic fibrosis. Last evaluated: 2014-12-22. Review status: no assertion criteria provided. Collection method: literature only. Allele origin: unknown. Inheritance: Autosomal recessive inheritance. Not counted in ClinVar's aggregate classification.

Literature cited by the submitters: PubMed 1376017 (cited by 6 submitters); PubMed 29997283 (cited by Natera, Inc.); PubMed 1695717 (cited by Labcorp Genetics (formerly Invitae), Labcorp); PubMed 7691345 (cited by Labcorp Genetics (formerly Invitae), Labcorp); PubMed 9725922 (cited by Labcorp Genetics (formerly Invitae), Labcorp); PubMed 31420175 (cited by Ambry Genetics); PubMed 8956039 (cited by 4 submitters); PubMed 26574590 (cited by Quest Diagnostics Nichols Institute San Juan Capistrano and Women's Health and Genetics/Laboratory Corporation of America, LabCorp); PubMed 1284538 (cited by Quest Diagnostics Nichols Institute San Juan Capistrano and Women's Health and Genetics/Laboratory Corporation of America, LabCorp); PubMed 31036917 (cited by Quest Diagnostics Nichols Institute San Juan Capistrano); PubMed 30444886 (cited by Quest Diagnostics Nichols Institute San Juan Capistrano); PubMed 10439967 (cited by Quest Diagnostics Nichols Institute San Juan Capistrano and Counsyl); PubMed 7521710 (cited by Quest Diagnostics Nichols Institute San Juan Capistrano and Counsyl); PubMed 7506096 (cited by Women's Health and Genetics/Laboratory Corporation of America, LabCorp); PubMed 16132229 (cited by Counsyl).

NM_000492.4(CFTR):c.4111G>T (p.Glu1371Ter)

Gene: CFTR (CF transmembrane conductance regulator; plus strand). Cytogenetic location: 7q31.2.
Variant type: single nucleotide variant.
Coding change: c.4111G>T on transcript NM_000492.4 (MANE Select); coding-DNA position 4111, G replaced by T.
Protein change: p.Glu1371Ter; replaces glutamic acid 1371 with a stop codon.
Molecular consequence: nonsense.
Genome position (GRCh38, 1-based): chr7:117,664,835, G>T. VCF-style: chr7-117664835-G-T. GRCh37 (hg19) VCF-style: chr7-117304889-G-T.
Other names: short protein forms E1371*.
Identifiers: ClinVar variation 53891 (VCV000053891.15), dbSNP rs397508675, ClinGen allele CA327404.